The following continues an entry in ClinVar:

NM_001256317.3(TMPRSS3):c.1273G>A (p.Ala425Thr)

Gene: TMPRSS3. ClinVar aggregate classification (germline): Pathogenic/Likely pathogenic. Pathogenic (18); Likely pathogenic (9).

Submissions 28 to 30 of 30:

Clinical Genetics DNA and cytogenetics Diagnostics Lab, Erasmus MC, Erasmus Medical Center
Classification: Likely pathogenic. Review status: no assertion criteria provided. Collection method: clinical testing. Allele origin: germline. Affected: yes. Study: VKGL Data-share Consensus. Not counted in ClinVar's aggregate classification.

Department of Pathology and Laboratory Medicine, Sinai Health System
Classification: Pathogenic. Review status: no assertion criteria provided. Collection method: clinical testing. Allele origin: unknown. Affected: yes. Study: The Canadian Open Genetics Repository (COGR). Not counted in ClinVar's aggregate classification.
Comment: The TMPRSS3 p.A426T variant has been reported in multiple cases of hearing loss and was found to segregate with disease in five affected individuals from two families who were compound heterozygous for this variant and another pathogenic variant (Weegerink_2011_PMID:21786053, Oldak_2019_PMID:31412945; Lechowicz_2017_PMID:28566687). The variant was identified in dbSNP (ID: rs56264519), LOVD 3.0 and ClinVar (classified as pathogenic by Laboratory for Molecular Medicine and as likely pathogenic by Fulgent Genetics, GeneDx, Knight Diagnostic Laboratories, EGL Genetic Diagnostics and Genetics Services Laboratory, University of Chicago). The variant was identified in control databases in 268 of 282764 chromosomes at a frequency of 0.0009478 (Genome Aggregation Database March 6, 2019, v2.1.1). The variant was observed in the following populations: European (non-Finnish) in 187 of 129114 chromosomes (freq: 0.001448), Latino in 50 of 35432 chromosomes (freq: 0.001411), Other in 9 of 7220 chromosomes (freq: 0.001247), Ashkenazi Jewish in 5 of 10366 chromosomes (freq: 0.000482), African in 9 of 24950 chromosomes (freq: 0.000361), South Asian in 5 of 30616 chromosomes (freq: 0.000163) and European (Finnish) in 3 of 25116 chromosomes (freq: 0.000119), but was not observed in the East Asian population. The p.A426 residue is conserved in mammals and computational analyses (PolyPhen-2, SIFT, AlignGVGD, BLOSUM, MutationTaster) provide inconsistent predictions regarding the impact to the protein; this information is not very predictive of pathogenicity. The variant occurs outside of the splicing consensus sequence and three of four in silico or computational prediction software programs (SpliceSiteFinder, MaxEntScan, NNSPLICE, GeneSplicer) do not predict a difference in splicing. Functional analysis in yeast demonstrated that the p.A426T variant caused significantly reduced protein activity (Lee_2003_PMID: 12920079). In summary, based on the above information this variant meets our laboratoryâ€šÃ„Ã´s criteria to be classified as pathogenic.

Joint Genome Diagnostic Labs from Nijmegen and Maastricht, Radboudumc and MUMC+
Classification: Likely pathogenic. Review status: no assertion criteria provided. Collection method: clinical testing. Allele origin: germline. Affected: yes. Study: VKGL Data-share Consensus. Not counted in ClinVar's aggregate classification.

Literature cited by the submitters: PubMed 21786053 (cited by 8 submitters); PubMed 28566687 (cited by 7 submitters); PubMed 29196752 (cited by 5 submitters); PubMed 12920079 (cited by 7 submitters); PubMed 30242206 (cited by Labcorp Genetics (formerly Invitae), Labcorp and Variantyx, Inc.); PubMed 31412945 (cited by 3 submitters); PubMed 38691166 (cited by Women's Health and Genetics/Laboratory Corporation of America, LabCorp); PubMed 11907649 (cited by Athena Diagnostics and Laboratory for Molecular Medicine, Mass General Brigham Personalized Medicine); PubMed 31053783 (cited by Athena Diagnostics); PubMed 24526180 (cited by Athena Diagnostics); PubMed 28263784 (cited by Athena Diagnostics); PubMed 28695016 (cited by Laboratory for Molecular Medicine, Mass General Brigham Personalized Medicine); PubMed 28246597 (cited by Laboratory for Molecular Medicine, Mass General Brigham Personalized Medicine); PubMed 34599368 (cited by Laboratory of Molecular, Cellular and Translation Genetics in Otolaryngology/ Lim32-hcfmusp, University of Sao Paulo School of Medicine Clinics Hospital).